The following is an entry in ClinVar:

NR_001566.3(TERC):n.187T>G

Genes: TERC (telomerase RNA component; minus strand), LOC110806306 (telomerase RNA component (TERC) promoter; plus strand). Cytogenetic location: 3q26.2.
Variant type: single nucleotide variant.
Molecular consequence: non-coding transcript variant (on NR_001566.3).
Genome position: GRCh38 VCF-style: chr3-169764874-A-C. GRCh37 (hg19) VCF-style: chr3-169482662-A-C.
Identifiers: ClinVar variation 3644684 (VCV003644684.2).
Genomic context (GRCh38, chr3:169,764,874, plus strand): 5'-GCGGGGTTCGGGGGCTGGGCAGGCGACCCGCCGCAGGTCCCCGGGAGGGGCGAACGGGCC[A>C]GCAGCTGACATTTTTTGTTTGCTCTAGAATGAACGGTGGAAGGCGGCAGGCCGAGGCTTT-3'

ClinVar aggregate classification (germline): Uncertain significance (1 of 4 stars; one submission).

Conditions:
Dyskeratosis congenita, autosomal dominant 1 (DKCA1). Also called: Dyskeratosis congenita Scoggins type. Identifiers: Orphanet 1775, MedGen C4551974, MONDO:0007485, OMIM 127550. Inheritance: Variable.

Submission:

Labcorp Genetics (formerly Invitae), Labcorp
Classification: Uncertain significance for Dyskeratosis congenita, autosomal dominant 1. Last evaluated: 2024-03-21. Review status: criteria provided, single submitter. Criteria: Invitae Variant Classification Sherloc (09022015). Collection method: clinical testing. Allele origin: germline.
Comment: This variant occurs in the TERC gene, which encodes an RNA molecule that does not result in a protein product. This variant is not present in population databases (gnomAD no frequency). This variant has not been reported in the literature in individuals affected with TERC-related conditions. This variant is located within the template/pseudoknot domain of the TERC RNA component, which is required for RNA or RNP stability (PMID: 15082312, 21844345). This variant is located in a region of TERC in which a significant number of disease causing variants have been reported (PMID: 15082312, 21844345, 21931702). These observations suggest that this may be a clinically significant region. In summary, the available evidence is currently insufficient to determine the role of this variant in disease. Therefore, it has been classified as a Variant of Uncertain Significance.

Literature cited by the submitters: PubMed 15082312; PubMed 21844345; PubMed 21931702.